The following is an entry in ClinVar:

ClinVar aggregate classification (germline): Uncertain significance. Review status: criteria provided, multiple submitters, no conflicts (2 of 4 stars). 2 submissions from 2 submitters: Uncertain significance (2). Last evaluated 2025-02-09.

Conditions:
Gastrointestinal stromal tumor. Also called: Gastrointestinal stromal tumor, somatic; Gastrointestinal stroma tumor. Identifiers: Orphanet 44890, MedGen C0238198, MeSH D046152, MONDO:0011719, OMIM 606764, HP:0100723.
Hereditary cancer-predisposing syndrome. Also called: Neoplastic Syndromes, Hereditary; Tumor predisposition; Hereditary Cancer Syndrome; Hereditary neoplastic syndrome. Identifiers: Orphanet 140162, MedGen C0027672, MeSH D009386, MONDO:0015356.

gnomAD v4.1: 1 of 1,614,036 alleles (0.000062%); highest among the groups gnomAD compares: African/African-American, 0.0013%; no homozygotes.

Submissions (2):

Ambry Genetics
Classification: Uncertain significance for Hereditary cancer-predisposing syndrome. Last evaluated: 2025-02-09. Review status: criteria provided, single submitter. Criteria: Ambry Variant Classification Scheme 2023. Collection method: clinical testing. Allele origin: germline.
Comment: The p.D366V variant (also known as c.1097A>T), located in coding exon 6 of the PDGFRA gene, results from an A to T substitution at nucleotide position 1097. The aspartic acid at codon 366 is replaced by valine, an amino acid with highly dissimilar properties. This amino acid position is conserved. In addition, this alteration is predicted to be tolerated by in silico analysis. Based on the available evidence, the clinical significance of this variant remains unclear.

Labcorp Genetics (formerly Invitae), Labcorp
Classification: Uncertain significance for Gastrointestinal stromal tumor. Last evaluated: 2025-02-03. Review status: criteria provided, single submitter. Criteria: Invitae Variant Classification Sherloc (09022015). Collection method: clinical testing. Allele origin: germline.
Comment: This sequence change replaces aspartic acid, which is acidic and polar, with valine, which is neutral and non-polar, at codon 366 of the PDGFRA protein (p.Asp366Val). This variant is not present in population databases (gnomAD no frequency). This variant has not been reported in the literature in individuals affected with PDGFRA-related conditions. Invitae Evidence Modeling of protein sequence and biophysical properties (such as structural, functional, and spatial information, amino acid conservation, physicochemical variation, residue mobility, and thermodynamic stability) indicates that this missense variant is not expected to disrupt PDGFRA protein function with a negative predictive value of 80%. In summary, the available evidence is currently insufficient to determine the role of this variant in disease. Therefore, it has been classified as a Variant of Uncertain Significance.

NM_006206.6(PDGFRA):c.1097A>T (p.Asp366Val)

Gene: PDGFRA (platelet derived growth factor receptor alpha; plus strand). Cytogenetic location: 4q12.
Variant type: single nucleotide variant.
Coding change: c.1097A>T on transcript NM_006206.6 (MANE Select); coding-DNA position 1097, A replaced by T.
Protein change: p.Asp366Val; replaces aspartic acid 366 with valine.
Molecular consequence: missense variant.
Genome position (GRCh38, 1-based): chr4:54,267,717, A>T. VCF-style: chr4-54267717-A-T. GRCh37 (hg19) VCF-style: chr4-55133884-A-T.
Other names: c.1097A>T, p.Asp366Val (NM_001347827.2, NM_001347829.2); c.1172A>T, p.Asp391Val (NM_001347828.2); c.1136A>T, p.Asp379Val (NM_001347830.2); short protein forms D366V, D379V, D391V.
Identifiers: ClinVar variation 3669787 (VCV003669787.3).
Genomic context (GRCh38, chr4:54,267,717, plus strand): 5'-GGATATCCTGGCTGAAAAACAATCTGACTCTGATTGAAAATCTCACTGAGATCACCACTG[A>T]TGTGGAAAAGATTCAGGAAATAAGGTAAAGAAACTCTCTGCCCAAGTATGCCTTTTTTTA-3'
Protein context (NP_006197.1, residues 356-376): LIENLTEITT[Asp366Val]VEKIQEIRYR